The following is an entry in ClinVar:

NM_005857.5(ZMPSTE24):c.592_593del (p.Ile198fs)

Gene: ZMPSTE24 (zinc metallopeptidase STE24; plus strand). Cytogenetic location: 1p34.2.
Variant type: Deletion.
Coding change: c.592_593del on transcript NM_005857.5 (MANE Select); coding-DNA positions 592 to 593, 2 bases deleted (AT; older notation c.592_593delAT).
Protein change: p.Ile198fs; shifts the reading frame from isoleucine 198.
Molecular consequence: frameshift variant.
Genome position (GRCh38, 1-based): chr1:40,270,092-40,270,093, AT deleted; deleting any 2 consecutive bases within chr1:40,270,091-40,270,093 gives the same sequence; the c. name uses the placement nearest the transcript's 3' end. VCF-style (leftmost placement, unchanged base first): chr1-40270090-TTA-T. GRCh37 (hg19) VCF-style: chr1-40735762-TTA-T.
Other names: c.592_593del (LRG_212t1); short protein forms I198fs.
Identifiers: ClinVar variation 140530 (VCV000140530.1), dbSNP rs281875368, ClinGen allele CA232751.

ClinVar aggregate classification (germline): not provided (0 of 4 stars; one submission).

Submission:

ZMPSTE24 homepage - Leiden Muscular Dystrophy pages
No classification provided. Review status: no classification provided. Collection method: not provided. Allele origin: germline.
Comment: has functional consequence